The following is an entry in ClinVar:

NM_016247.4(IMPG2):c.1739T>G (p.Leu580Ter)

Gene: IMPG2 (interphotoreceptor matrix proteoglycan 2; minus strand). Cytogenetic location: 3q12.3.
Variant type: single nucleotide variant.
Coding change: c.1739T>G on transcript NM_016247.4 (MANE Select); coding-DNA position 1739, T replaced by G.
Protein change: p.Leu580Ter; replaces leucine 580 with a stop codon.
Molecular consequence: nonsense.
Genome position (GRCh38, 1-based): chr3:101,244,592, A>C on the plus strand (T>G on the coding strand, the complement: IMPG2 is on the minus strand). VCF-style: chr3-101244592-A-C. GRCh37 (hg19) VCF-style: chr3-100963436-A-C.
Other names: short protein forms L580*.
Identifiers: ClinVar variation 866757 (VCV000866757.3), dbSNP rs770399625, ClinGen allele CA2519099.

ClinVar aggregate classification (germline): Likely pathogenic. Review status: criteria provided, multiple submitters, no conflicts (2 of 4 stars). 2 submissions from 2 submitters: Likely pathogenic (2). Last evaluated 2024-02-01.

Conditions:
IMPG2-related disorders.
Retinitis pigmentosa 56 (RP56). Identifiers: Orphanet 791, MedGen C3150819, MONDO:0013314, OMIM 613581.

Allele frequency attached by ClinVar (database versions not stated): gnomAD exomes 0.00001; ExAC 0.00002.
gnomAD v4.1: 5 of 1,595,454 alleles (0.00031%); highest among the groups gnomAD compares: South Asian, 0.0057%; no homozygotes.

Submissions (2):

Neuberg Centre For Genomic Medicine, NCGM
Classification: Likely pathogenic for Retinitis pigmentosa 56. Last evaluated: 2024-02-01. Review status: criteria provided, single submitter. Criteria: ACMG Guidelines, 2015. Collection method: clinical testing. Allele origin: germline. Inheritance: Autosomal recessive inheritance. Affected: yes.
Comment: The above variant in IMPG2 gene has not been reported previously as a pathogenic variant nor as a benign variant, to our knowledge. This variant is predicted to cause loss of normal protein function through protein truncation. Loss of function variants in IMPG2 gene have been previously reported to be disease causing (Bandah-Rozenfeld D, et al., 2010). However, Additional functional studies will be required to prove the pathogenicity of this variant conclusively. For these reasons, this variant has been classified as Likely Pathogenic.

Blueprint Genetics
Classification: Likely pathogenic for IMPG2-related disorders. Last evaluated: 2018-05-09. Review status: criteria provided, single submitter. Criteria: ACMG Guidelines, 2015. Collection method: clinical testing. Allele origin: germline. Affected: yes. Observed: 1 variant allele.